The following is an entry in ClinVar:

NC_000023.10:g.(32305819_32328198)_(32328394_32360216)dup

Gene: DMD (dystrophin; minus strand). Cytogenetic location: Xp21.1.
Variant type: Duplication.
Identifiers: ClinVar variation 1177284 (VCV001177284.5).

ClinVar aggregate classification (germline): Uncertain significance (1 of 4 stars; one submission).

Submission:

Women's Health and Genetics/Laboratory Corporation of America, LabCorp
Classification: Uncertain significance. Last evaluated: 2023-01-18. Review status: criteria provided, single submitter. Criteria: LabCorp Variant Classification Summary - May 2015. Collection method: clinical testing. Allele origin: germline.
Comment: Variant summary: The variant identified by MLPA or other technology involves the duplication of exon 42 in the DMD gene. A presumed nomenclature of c.(5922+1_5923-1)_(6117+1_6118-1)dup has been designated for the purposes of this classification. It has been assumed that this is a tandem duplication in direct orientation (Richardson_GIM_2018, Newman_AJHG_2015). Although exact breakpoints of this CNV are not known, it is expected to result in a large in-frame duplication in the DMD gene. The variant allele was found at a frequency of 0.0018 in 15814 control chromosomes (gnomAD, Structural Variants Dataset), including hemizygous occurrences. The observed variant frequency is considerably higher than the estimated maximal expected allele frequency for a pathogenic variant in DMD causing Dystrophinopathies phenotype, strongly suggesting that the variant is benign. These reports do not provide unequivocal conclusions about association of the variant with Dystrophinopathies. To our knowledge, no experimental evidence demonstrating an impact on protein function has been reported. One ClinVar submitter has assessed the variant since 2014: the variant was classified as uncertain significance. Based on the evidence outlined above, the variant was classified as VUS-possibly benign.

Literature cited by the submitters: PubMed 19937601; PubMed 17726484.